The following is an entry in ClinVar:

NM_000026.4(ADSL):c.363G>T (p.Leu121Phe)

Gene: ADSL (adenylosuccinate lyase; plus strand). Cytogenetic location: 22q13.1.
Variant type: single nucleotide variant.
Coding change: c.363G>T on transcript NM_000026.4 (MANE Select); coding-DNA position 363, G replaced by T.
Protein change: p.Leu121Phe; replaces leucine 121 with phenylalanine.
Molecular consequence: missense variant. On other transcripts: non-coding transcript variant (1), intron variant (1).
Genome position (GRCh38, 1-based): chr22:40,353,078, G>T. VCF-style: chr22-40353078-G-T. GRCh37 (hg19) VCF-style: chr22-40749082-G-T.
Other names: c.363G>T, p.Leu121Phe (NM_001123378.3, NM_001363840.3, NM_001410812.1 and 1 more transcripts); c.171G>T, p.Leu57Phe (NM_001317923.2); c.358-1170G>T (NM_001410814.1); short protein forms L121F, L57F.
Identifiers: ClinVar variation 4852543 (VCV004852543.1).
Genomic context (GRCh38, chr22:40,353,078, plus strand): 5'-TAATATTGTTTGAGCAAAGCTGCTAAATATAAGATCATTGCATTTTCTTTCGTAGGACTT[G>T]ATTATTCTTAGAAATGCACTTGACCTGCTTTTGCCAAAGGTAAGGAGTTGGCAGATGTTT-3'
Protein context (NP_000017.1, residues 111-131): TSCYVGDNTD[Leu121Phe]IILRNALDLL

ClinVar aggregate classification (germline): Likely pathogenic (1 of 4 stars; one submission).

Conditions:
Adenylosuccinate lyase deficiency (ADSLD). Also called: ADSL DEFICIENCY. Identifiers: Orphanet 46, MedGen C0268126, MONDO:0007068, OMIM 103050.

Submission:

Research Unit for Rare Diseases, 1st Faculty of Medicine, Charles University in Prague
Classification: Likely pathogenic for Adenylosuccinate lyase deficiency. Last evaluated: 2026-05-18. Review status: criteria provided, single submitter. Criteria: ACMG Guidelines, 2015. Collection method: clinical testing. Allele origin: inherited. Inheritance: Autosomal recessive inheritance. Affected: yes. Observed: 1 variant allele, 1 compound heterozygote.
Comment: This variant was classified as Likely Pathogenic according to ACMG/AMP 2015 criteria. Biochemical studies demonstrated markedly elevated urinary SAICAr and SAdo levels, consistent with ADSL deficiency. Functional studies showed impaired ADSL function, including reduced catalytic activity of recombinant p.(Leu121Phe) protein, severely reduced enzymatic activity in patient fibroblasts, and absence of purinosome formation, supporting a deleterious effect on protein function (PS3_supporting/moderate). The affected amino acid residue is highly conserved, and computational evidence supports a deleterious effect (PP3).